The following is an entry in ClinVar:

ClinVar aggregate classification (germline): Pathogenic/Likely pathogenic. Review status: criteria provided, multiple submitters, no conflicts (2 of 4 stars). 8 submissions from 8 submitters: Pathogenic (5); Likely pathogenic (1). 2 of the submissions do not count toward it. Last evaluated 2025-11-23.

Conditions:
Premature ovarian failure 11 (POF11). Identifiers: MedGen C4310783, MONDO:0014843, OMIM 616946.
DE SANCTIS-CACCHIONE SYNDROME. Identifiers: MedGen C0265201, MONDO:0010217, OMIM 278800.
Cerebrooculofacioskeletal syndrome 1 (COFS1). Also called: Cerebro-oculo-facio-skeletal syndrome 1. Identifiers: MedGen C0220722, MONDO:0008955, OMIM 214150.
Lung cancer. Also called: Lung cancer, somatic; Malignant tumor of lung. Identifiers: MedGen C0242379, MONDO:0008903, OMIM 211980.
UV-sensitive syndrome 1 (UVSS1). Identifiers: Orphanet 178338, MedGen C3551173, MONDO:0010909, OMIM 600630.
Cockayne syndrome type 2 (CSB). Also called: Cockayne Syndrome, Type II; COCKAYNE SYNDROME B. Identifiers: Orphanet 191, Orphanet 90322, MedGen C0751038, MONDO:0019570, OMIM 133540.
Age related macular degeneration 5. Identifiers: MedGen C3151063, MONDO:0013409, OMIM 613761.
ERCC6-related disorder. Also called: ERCC6-related disorders; ERCC6-related condition. Identifiers: MedGen CN239385.

Allele frequency attached by ClinVar (database versions not stated): ExAC 0.00001; gnomAD 0.00001 and 0.00002; gnomAD exomes 0.00001 and 0.00007; TOPMed 0.00002.

Submissions (8):

Labcorp Genetics (formerly Invitae), Labcorp
Classification: Pathogenic. Last evaluated: 2025-11-23. Review status: criteria provided, single submitter. Criteria: Invitae Variant Classification Sherloc (09022015). Collection method: clinical testing. Allele origin: germline.
Comment: This sequence change creates a premature translational stop signal (p.Gln156*) in the ERCC6 gene. It is expected to result in an absent or disrupted protein product. Loss-of-function variants in ERCC6 are known to be pathogenic (PMID: 18628313, 29572252). This variant is present in population databases (rs751838040, gnomAD 0.002%). This premature translational stop signal has been observed in individual(s) with Cockayne syndrome (PMID: 19894250, 29572252). ClinVar contains an entry for this variant (Variation ID: 212733). For these reasons, this variant has been classified as Pathogenic.

GeneDx
Classification: Pathogenic. Last evaluated: 2023-03-28. Review status: criteria provided, single submitter. Criteria: GeneDx Variant Classification Process June 2021. Collection method: clinical testing. Allele origin: germline. Affected: yes.
Comment: Nonsense variant predicted to result in protein truncation or nonsense mediated decay in a gene for which loss of function is a known mechanism of disease; Not observed at significant frequency in large population cohorts (gnomAD); This variant is associated with the following publications: (PMID: Nikfar2022[article], 33681529, 29572252, 19894250, 34724781)

Blueprint Genetics
Classification: Pathogenic for ERCC6-related disorders. Last evaluated: 2022-06-28. Review status: criteria provided, single submitter. Criteria: ACMG Guidelines, 2015. Collection method: clinical testing. Allele origin: germline. Affected: yes. Observed: 4 variant alleles.

Department of Pathology and Laboratory Medicine, Sinai Health System
Classification: Likely pathogenic for Cockayne syndrome type 2; Lung cancer; Cerebrooculofacioskeletal syndrome 1; DE SANCTIS-CACCHIONE SYNDROME; UV-sensitive syndrome 1; Premature ovarian failure 11. Last evaluated: 2022-06-22. Review status: criteria provided, single submitter. Criteria: ACMG Guidelines, 2015. Collection method: research. Allele origin: germline.

Fulgent Genetics
Classification: Pathogenic for Cockayne syndrome type 2; Lung cancer; Cerebrooculofacioskeletal syndrome 1; DE SANCTIS-CACCHIONE SYNDROME; UV-sensitive syndrome 1; Age related macular degeneration 5; Premature ovarian failure 11. Last evaluated: 2021-07-01. Review status: criteria provided, single submitter. Criteria: ACMG Guidelines, 2015. Collection method: clinical testing. Allele origin: unknown.

Center for Pediatric Genomic Medicine, Children's Mercy Hospital and Clinics
Classification: Pathogenic. Last evaluated: 2015-05-14. Review status: criteria provided, single submitter. Criteria: ACMG Guidelines, 2015. Collection method: clinical testing. Allele origin: germline.

Counsyl
Classification: Likely pathogenic for DE SANCTIS-CACCHIONE SYNDROME. Last evaluated: 2017-03-29. Review status: no assertion criteria provided. Collection method: clinical testing. Allele origin: unknown. Not counted in ClinVar's aggregate classification.

Knight Diagnostic Laboratories, Oregon Health and Sciences University
Classification: Likely pathogenic for Cockayne syndrome, type B. Last evaluated: 2014-08-12. Review status: no assertion criteria provided. Criteria: ACMG Guidelines, 2007. Collection method: clinical testing. Allele origin: germline. Inheritance: Autosomal recessive inheritance. Affected: no. Not counted in ClinVar's aggregate classification.

Literature cited by the submitters: PubMed 18628313 (cited by Labcorp Genetics (formerly Invitae), Labcorp); PubMed 29572252 (cited by Labcorp Genetics (formerly Invitae), Labcorp); PubMed 19894250 (cited by Labcorp Genetics (formerly Invitae), Labcorp and Counsyl).

NM_000124.4(ERCC6):c.466C>T (p.Gln156Ter)

Gene: ERCC6 (ERCC excision repair 6, chromatin remodeling factor; minus strand). Cytogenetic location: 10q11.23.
Variant type: single nucleotide variant.
Coding change: c.466C>T on transcript NM_000124.4 (MANE Select); coding-DNA position 466, C replaced by T.
Protein change: p.Gln156Ter; replaces glutamine 156 with a stop codon.
Molecular consequence: nonsense.
Genome position (GRCh38, 1-based): chr10:49,530,797, G>A on the plus strand (C>T on the coding strand, the complement: ERCC6 is on the minus strand). VCF-style: chr10-49530797-G-A. GRCh37 (hg19) VCF-style: chr10-50738843-G-A.
Other names: c.466C>T, p.Gln156Ter (NM_001277058.2, NM_001277059.2, NM_001346440.2); short protein forms Q156*.
Identifiers: ClinVar variation 212733 (VCV000212733.15), dbSNP rs751838040, ClinGen allele CA277210.